The following is an entry in ClinVar:

NM_004260.4(RECQL4):c.3280GAG[1] (p.Glu1095del)

Gene: RECQL4 (RecQ like helicase 4; minus strand). Cytogenetic location: 8q24.3.
Variant type: Microsatellite.
Coding change: c.3280GAG[1] on transcript NM_004260.4 (MANE Select); one copy of the 3-base unit GAG starting at c.3280; the reference has two copies in a row; one copy, 3 bases deleted.
Protein change: p.Glu1095del; deletes glutamic acid 1095.
Molecular consequence: inframe deletion.
Genome position (GRCh38, 1-based): chr8:144,512,019-144,512,021, CTC deleted on the plus strand (GAG on the coding strand, the reverse complement: RECQL4 is on the minus strand); deleting any 3 consecutive bases within chr8:144,512,019-144,512,024 gives the same sequence; the position shown is the placement nearest the transcript's 3' end. VCF-style (leftmost placement, unchanged base first): chr8-144512018-GCTC-G. GRCh37 (hg19) VCF-style: chr8-145737401-GCTC-G.
Other names: short protein forms E1095del.
Identifiers: ClinVar variation 998542 (VCV000998542.5), dbSNP rs1586791499, ClinGen allele CA463565954.

ClinVar aggregate classification (germline): Uncertain significance (1 of 4 stars; one submission).

Conditions:
Baller-Gerold syndrome (BGS). Also called: CRANIOSYNOSTOSIS WITH RADIAL DEFECTS. Identifiers: Orphanet 1225, MedGen C0265308, MONDO:0009039, OMIM 218600.

Submission:

Labcorp Genetics (formerly Invitae), Labcorp
Classification: Uncertain significance for Baller-Gerold syndrome. Last evaluated: 2021-10-25. Review status: criteria provided, single submitter. Criteria: Invitae Variant Classification Sherloc (09022015). Collection method: clinical testing. Allele origin: germline.
Comment: This variant is not present in population databases (gnomAD no frequency). This variant, c.3283_3285del, results in the deletion of 1 amino acid(s) of the RECQL4 protein (p.Glu1095del), but otherwise preserves the integrity of the reading frame. This variant has not been reported in the literature in individuals affected with RECQL4-related conditions. In summary, the available evidence is currently insufficient to determine the role of this variant in disease. Therefore, it has been classified as a Variant of Uncertain Significance. Experimental studies and prediction algorithms are not available or were not evaluated, and the functional significance of this variant is currently unknown.